The following is an entry in ClinVar:

NM_007078.3(LDB3):c.1155T>C (p.Ser385=)

Gene: LDB3 (LIM domain binding 3; plus strand). Cytogenetic location: 10q23.2.
Variant type: single nucleotide variant.
Coding change: c.1155T>C on transcript NM_007078.3 (MANE Select); coding-DNA position 1155, T replaced by C.
Protein change: p.Ser385=; no amino-acid change (serine 385 retained).
Molecular consequence: synonymous variant.
Genome position (GRCh38, 1-based): chr10:86,709,974, T>C. VCF-style: chr10-86709974-T-C. GRCh37 (hg19) VCF-style: chr10-88469731-T-C.
Other names: c.825T>C, p.Ser275= (NM_001080114.2); c.1170T>C, p.Ser390= (NM_001171610.2); c.966T>C, p.Ser322= (NM_001368064.1, NM_001368065.1); c.1014T>C, p.Ser338= (NM_001368066.1).
Identifiers: ClinVar variation 4753812 (VCV004753812.1).

ClinVar aggregate classification (germline): Uncertain significance (1 of 4 stars; one submission).

Conditions:
Myofibrillar myopathy 4. Also called: Zaspopathy (type). Identifiers: Orphanet 98912, MedGen C4721886, MONDO:0012277, OMIM 609452.

Submission:

Labcorp Genetics (formerly Invitae), Labcorp
Classification: Uncertain significance for Myofibrillar myopathy 4. Last evaluated: 2025-11-20. Review status: criteria provided, single submitter. Criteria: Invitae Variant Classification Sherloc (09022015). Collection method: clinical testing. Allele origin: germline.
Comment: The LDB3 gene has multiple clinically relevant transcripts. This variant occurs in alternate transcript NM_007078.3, and corresponds to NM_001080116.1:c.*10600T>C in the primary transcript. This sequence change affects codon 385 of the LDB3 mRNA. It is a 'silent' change, meaning that it does not change the encoded amino acid sequence of the LDB3 protein. This variant is not present in population databases (gnomAD no frequency). This variant has not been reported in the literature in individuals affected with LDB3-related conditions. Experimental studies and prediction algorithms are not available or were not evaluated, and the functional significance of this variant is currently unknown. In summary, the available evidence is currently insufficient to determine the role of this variant in disease. Therefore, it has been classified as a Variant of Uncertain Significance.